The following is an entry in ClinVar:

ClinVar aggregate classification (germline): Uncertain significance (1 of 4 stars; one submission).

gnomAD v4.1: 11 of 1,613,976 alleles (0.00068%); highest among the groups gnomAD compares: Admixed American, 0.013%; no homozygotes.

Submission:

Labcorp Genetics (formerly Invitae), Labcorp
Classification: Uncertain significance. Last evaluated: 2025-01-13. Review status: criteria provided, single submitter. Criteria: Invitae Variant Classification Sherloc (09022015). Collection method: clinical testing. Allele origin: germline.
Comment: This sequence change replaces valine, which is neutral and non-polar, with methionine, which is neutral and non-polar, at codon 490 of the FBN3 protein (p.Val490Met). This variant is present in population databases (rs202121553, gnomAD 0.02%). This variant has not been reported in the literature in individuals affected with FBN3-related conditions. An algorithm developed to predict the effect of missense changes on protein structure and function outputs the following: PolyPhen-2: "Benign". The methionine amino acid residue is found in multiple mammalian species, which suggests that this missense change does not adversely affect protein function. In summary, the available evidence is currently insufficient to determine the role of this variant in disease. Therefore, it has been classified as a Variant of Uncertain Significance.

NM_032447.5(FBN3):c.1468G>A (p.Val490Met)

Gene: FBN3 (fibrillin 3; minus strand). Cytogenetic location: 19p13.2.
Variant type: single nucleotide variant.
Coding change: c.1468G>A on transcript NM_032447.5 (MANE Select); coding-DNA position 1468, G replaced by A.
Protein change: p.Val490Met; replaces valine 490 with methionine.
Molecular consequence: missense variant.
Genome position (GRCh38, 1-based): chr19:8,136,084, C>T on the plus strand (G>A on the coding strand, the complement: FBN3 is on the minus strand). VCF-style: chr19-8136084-C-T. GRCh37 (hg19) VCF-style: chr19-8200968-C-T.
Other names: c.1468G>A, p.Val490Met (NM_001321431.2); short protein forms V490M.
Identifiers: ClinVar variation 3695055 (VCV003695055.2).
Genomic context (GRCh38, chr19:8,136,084, plus strand): 5'-CCTCTGTGTTGACACAGCGGCCCAGGTGACAAAGGCCACCACTGACAATGCACTCGTCCA[C>T]ATCTGCGGGGAAGGCAGGCGGGCAGTCAAGAGGTGCTCCCCACCCTCCAAGCCTGGGCCA-3'
Protein context (NP_115823.3, residues 480-500): ATPTRQACVD[Val490Met]DECIVSGGLC